The following is an entry in ClinVar:

NM_000038.6(APC):c.2999_3005del (p.Tyr1000fs)

Gene: APC (APC regulator of Wnt signaling pathway; plus strand). Cytogenetic location: 5q22.2.
Variant type: Deletion.
Coding change: c.2999_3005del on transcript NM_000038.6 (MANE Select); coding-DNA positions 2999 to 3005, 7 bases deleted (ACCCAGC; older notation c.2999_3005delACCCAGC).
Protein change: p.Tyr1000fs; shifts the reading frame from tyrosine 1000.
Molecular consequence: frameshift variant.
Genome position (GRCh38, 1-based): chr5:112,838,593-112,838,599, ACCCAGC deleted. VCF-style (leftmost placement, unchanged base first): chr5-112838592-TACCCAGC-T. GRCh37 (hg19) VCF-style: chr5-112174289-TACCCAGC-T.
Other names: c.2999_3005del, p.Tyr1000fs (NM_001127510.3, NM_001354895.2); c.2945_2951del, p.Tyr982fs (NM_001127511.3); c.3053_3059del, p.Tyr1018fs (NM_001354896.2); c.3029_3035del, p.Tyr1010fs (NM_001354897.2); c.2924_2930del, p.Tyr975fs (NM_001354898.2); c.2915_2921del, p.Tyr972fs (NM_001354899.2); c.2876_2882del, p.Tyr959fs (NM_001354900.2); c.2822_2828del, p.Tyr941fs (NM_001354901.2); and 5 more; short protein forms Y1018fs, Y874fs, Y909fs, Y1000fs, Y1010fs, Y840fs, Y941fs, Y899fs.
Identifiers: ClinVar variation 568358 (VCV000568358.10), dbSNP rs1561581273, ClinGen allele CA891842606.
Genomic context (GRCh38, chr5:112,838,592, plus strand): 5'-AAACCCTCGATTGAATCCTATTCTGAAGATGATGAAAGTAAGTTTTGCAGTTATGGTCAA[TACCCAGC>T]CGACCTAGCCCATAAAATACATAGTGCAAATCATATGGATGATAATGATGGAGAACTAGA-3'

ClinVar aggregate classification (germline): Pathogenic (1 of 4 stars; one submission).

Conditions:
Familial adenomatous polyposis 1 (FAP1). Also called: FAMILIAL ADENOMATOUS POLYPOSIS 1, ATTENUATED; POLYPOSIS, ADENOMATOUS INTESTINAL. Identifiers: MedGen C2713442, MONDO:0021056, OMIM 175100. Disease mechanism: loss of function.

Submission:

Labcorp Genetics (formerly Invitae), Labcorp
Classification: Pathogenic for Familial adenomatous polyposis 1. Last evaluated: 2018-05-26. Review status: criteria provided, single submitter. Criteria: Invitae Variant Classification Sherloc (09022015). Collection method: clinical testing. Allele origin: germline.
Comment: For these reasons, this variant has been classified as Pathogenic. A different truncation (p.Gln1062*) that lies downstream of this variant has been determined to be pathogenic (PMID: 1316610, 8162022, 15771908). This suggests that deletion of this region of the APC protein is causative of disease. This variant has not been reported in the literature in individuals with APC-related disease. This variant is not present in population databases (ExAC no frequency). This sequence change results in a premature translational stop signal in the APC gene (p.Tyr1000Serfs*3). While this is not anticipated to result in nonsense mediated decay, it is expected to disrupt the last 1844 amino acids of the APC protein.

Literature cited by the submitters: PubMed 1316610; PubMed 8162022; PubMed 15771908.